The following is an entry in ClinVar:

NM_005005.3(NDUFB9):c.432G>A (p.Thr144=)

Gene: NDUFB9 (NADH:ubiquinone oxidoreductase subunit B9; plus strand). Cytogenetic location: 8q24.13.
Variant type: single nucleotide variant.
Coding change: c.432G>A on transcript NM_005005.3 (MANE Select); coding-DNA position 432, G replaced by A.
Protein change: p.Thr144=; no amino-acid change (threonine 144 retained).
Molecular consequence: synonymous variant.
Genome position (GRCh38, 1-based): chr8:124,549,784, G>A. VCF-style: chr8-124549784-G-A. GRCh37 (hg19) VCF-style: chr8-125562025-G-A.
Other names: c.264G>A, p.Thr88= (NM_001278645.2); c.303G>A, p.Thr101= (NM_001278646.2); c.399G>A, p.Thr133= (NM_001311168.2).
Identifiers: ClinVar variation 2658796 (VCV002658796.26), dbSNP rs773497765, ClinGen allele CA4871592.

ClinVar aggregate classification (germline): Likely benign. Review status: criteria provided, multiple submitters, no conflicts (2 of 4 stars). 2 submissions from 2 submitters: Likely benign (2). Last evaluated 2024-11-15.

Allele frequency attached by ClinVar (database versions not stated): gnomAD 0.00002; TOPMed 0.00003; ExAC 0.00007; gnomAD exomes 0.00008.
gnomAD v4.1: 119 of 1,614,132 alleles (0.0074%); highest among the groups gnomAD compares: East Asian, 0.031%; no homozygotes.

Submissions (2):

Labcorp Genetics (formerly Invitae), Labcorp
Classification: Likely benign. Last evaluated: 2024-11-15. Review status: criteria provided, single submitter. Criteria: Invitae Variant Classification Sherloc (09022015). Collection method: clinical testing. Allele origin: germline.

CeGaT Center for Human Genetics Tuebingen
Classification: Likely benign. Last evaluated: 2023-05-01. Review status: criteria provided, single submitter. Criteria: CeGaT Center For Human Genetics Tuebingen Variant Classification Criteria Version 2. Collection method: clinical testing. Allele origin: germline. Affected: yes. Observed: 1 variant allele.
Comment: NDUFB9: BP4, BP7